The following is an entry in ClinVar:

NM_003011.4(SET):c.783_785del (p.Glu261del)

Gene: SET (SET nuclear proto-oncogene; plus strand). Cytogenetic location: 9q34.11.
Variant type: Deletion.
Coding change: c.783_785del on transcript NM_003011.4 (MANE Select); coding-DNA positions 783 to 785, 3 bases deleted (AGA; older notation c.783_785delAGA).
Protein change: p.Glu261del; deletes glutamic acid 261.
Molecular consequence: inframe deletion.
Genome position (GRCh38, 1-based): chr9:128,694,015-128,694,017, AGA deleted; deleting any 3 consecutive bases within chr9:128,694,013-128,694,017 gives the same sequence; the c. name uses the placement nearest the transcript's 3' end. VCF-style (leftmost placement, unchanged base first): chr9-128694012-TGAA-T. GRCh37 (hg19) VCF-style: chr9-131456291-TGAA-T.
Other names: c.822_824del, p.Glu274del (NM_001122821.2, NM_001374326.1); c.756_758del, p.Glu252del (NM_001248000.2); c.750_752del, p.Glu250del (NM_001248001.2); short protein forms E250del, E261del, E252del, E274del.
Identifiers: ClinVar variation 2585464 (VCV002585464.1), dbSNP rs1458424469, ClinGen allele CA590941991.

ClinVar aggregate classification (germline): Uncertain significance (1 of 4 stars; one submission).

Conditions:
Intellectual developmental disorder, autosomal dominant 58. Also called: MENTAL RETARDATION, AUTOSOMAL DOMINANT 58; Intellectual disability, autosomal dominant 58. Identifiers: MedGen C4748195, MONDO:0020847, OMIM 618106.

Submission:

Neuberg Centre For Genomic Medicine, NCGM
Classification: Uncertain significance for Intellectual developmental disorder, autosomal dominant 58. Review status: criteria provided, single submitter. Criteria: ACMG Guidelines, 2015. Collection method: clinical testing. Allele origin: germline. Inheritance: Autosomal dominant inheritance. Affected: yes.
Comment: The c.822_824del (p.Glu274del) inframe deletion variant in SET gene has not been reported previously as a pathogenic variant nor as a benign variant, to our knowledge. The p.Glu274del variant is novel (not in any individuals) in gnomAD Exomes and is novel (not in any individuals) in 1000 Genomes. This p.Glu274del causes deletion of amino acid Glutamic Acid at position 274. The observed variant is not in repeat region. Since this inframe deletion is not expected to cause protein truncation, the above variant has been classified as Variant of Uncertain Significance (VUS).